The following is an entry in ClinVar:

ClinVar aggregate classification (germline): Uncertain significance (1 of 4 stars; one submission).

Submission:

GeneDx
Classification: Uncertain significance. Last evaluated: 2025-04-16. Review status: criteria provided, single submitter. Criteria: GeneDx Variant Classification Process June 2021. Collection method: clinical testing. Allele origin: germline. Affected: yes.
Comment: Not observed at significant frequency in large population cohorts (gnomAD); In silico analysis supports that this missense variant has a deleterious effect on protein structure/function; Has not been previously published as pathogenic or benign to our knowledge

NM_003031.4(SIAH1):c.469A>G (p.Thr157Ala)

Genes: LONP2 (lon peptidase 2, peroxisomal; plus strand), SIAH1 (siah E3 ubiquitin protein ligase 1; minus strand). Cytogenetic location: 16q12.1.
Variant type: single nucleotide variant.
Coding change: c.469A>G on transcript NM_003031.4 (MANE Select); coding-DNA position 469, A replaced by G.
Protein change: p.Thr157Ala; replaces threonine 157 with alanine.
Molecular consequence: missense variant. On other transcripts: 3 prime UTR variant (1).
Genome position (GRCh38, 1-based): chr16:48,361,960, T>C on the plus strand (A>G on the coding strand, the complement: SIAH1 is on the minus strand). VCF-style: chr16-48361960-T-C. GRCh37 (hg19) VCF-style: chr16-48395871-T-C.
Other names: c.562A>G, p.Thr188Ala (NM_001006610.2); c.*364T>C (NM_001348078.2); short protein forms T157A, T188A.
Identifiers: ClinVar variation 4282023 (VCV004282023.1).